The following is an entry in ClinVar:

ClinVar aggregate classification (germline): Pathogenic (1 of 4 stars; one submission).

Conditions:
Junctional epidermolysis bullosa. Identifiers: Orphanet 305, MedGen C0079301, MONDO:0017612.

Submission:

Myriad Genetics, Inc.
Classification: Pathogenic for Junctional epidermolysis bullosa. Last evaluated: 2023-09-05. Review status: criteria provided, single submitter. Criteria: Myriad Autosomal Dominant, Autosomal Recessive and X-Linked Classification Criteria (2023). Collection method: clinical testing. Allele origin: unknown.
Comment: NM_005562.2(LAMC2):c.2626delC(Q876Kfs*10) is expected to be pathogenic in the context of junctional epidermolysis bullosa, LAMC2-related. This variant is predicted to lead to an abnormal or absent protein product due to the creation of a premature termination codon in LAMC2, a gene where loss-of-function variants are known to be pathogenic. Please note: this variant was assessed in the context of healthy population screening.

NM_005562.3(LAMC2):c.2626del (p.Gln876fs)

Gene: LAMC2 (laminin subunit gamma 2; plus strand). Cytogenetic location: 1q25.3.
Variant type: Deletion.
Coding change: c.2626del on transcript NM_005562.3 (MANE Select); coding-DNA position 2626, one base deleted (C; older notation c.2626delC).
Protein change: p.Gln876fs; shifts the reading frame from glutamine 876.
Molecular consequence: frameshift variant.
Genome position (GRCh38, 1-based): chr1:183,237,376, C deleted. VCF-style (leftmost placement, unchanged base first): chr1-183237375-AC-A. GRCh37 (hg19) VCF-style: chr1-183206510-AC-A.
Other names: c.2626del, p.Gln876fs (NM_018891.3); short protein forms Q876fs.
Identifiers: ClinVar variation 5011580 (VCV005011580.1).